The following is an entry in ClinVar:

ClinVar aggregate classification (germline): Uncertain significance (1 of 4 stars; one submission).

gnomAD v4.1: 2 of 1,550,516 alleles (0.00013%); highest among the groups gnomAD compares: Non-Finnish European, 0.000087%; no homozygotes.

Submission:

GeneDx
Classification: Uncertain significance. Last evaluated: 2024-03-11. Review status: criteria provided, single submitter. Criteria: GeneDx Variant Classification Process June 2021. Collection method: clinical testing. Allele origin: germline. Affected: yes.
Comment: Reported using an alternate transcript of the gene; Not observed at significant frequency in large population cohorts (gnomAD); In silico analysis supports that this missense variant does not alter protein structure/function; Has not been previously published as pathogenic or benign to our knowledge

NM_001161352.2(KCNMA1):c.3016+835A>T

Genes: KCNMA1 (potassium calcium-activated channel subfamily M alpha 1; minus strand), KCNMA1-AS1 (KCNMA1 antisense RNA 1; plus strand). Cytogenetic location: 10q22.3.
Variant type: single nucleotide variant.
Coding change: c.3016+835A>T on transcript NM_001161352.2 (MANE Select); 835 bases into the intron after coding-DNA position 3016, A replaced by T.
Molecular consequence: intron variant. On other transcripts: missense variant (4).
Genome position (GRCh38, 1-based): chr10:76,914,101, T>A on the plus strand (A>T on the coding strand, the complement: KCNMA1 is on the minus strand). VCF-style: chr10-76914101-T-A. GRCh37 (hg19) VCF-style: chr10-78673859-T-A.
Other names: c.2888A>T, p.Gln963Leu (NM_001271519.2); c.2900A>T, p.Gln967Leu (NM_001322830.2); c.2891A>T, p.Gln964Leu (NM_001322835.2, NM_001322837.2); c.2692+835A>T (NM_001271518.2); c.2842+835A>T (NM_001322832.2, NM_001410940.1, NM_002247.4); c.2851+835A>T (NM_001322829.2, NM_001322836.2); c.2854+835A>T (NM_001014797.3); c.2389+835A>T (NM_001322838.2); and 1 more; short protein forms Q963L, Q964L, Q967L.
Identifiers: ClinVar variation 3370823 (VCV003370823.1).